The following is an entry in ClinVar:

NM_000275.3(OCA2):c.1875A>C (p.Lys625Asn)

Gene: OCA2 (OCA2 melanosomal transmembrane protein; minus strand). Cytogenetic location: 15q13.1.
Variant type: single nucleotide variant.
Coding change: c.1875A>C on transcript NM_000275.3 (MANE Select); coding-DNA position 1875, A replaced by C.
Protein change: p.Lys625Asn; replaces lysine 625 with asparagine.
Molecular consequence: missense variant.
Genome position (GRCh38, 1-based): chr15:27,951,860, T>G on the plus strand (A>C on the coding strand, the complement: OCA2 is on the minus strand). VCF-style: chr15-27951860-T-G. GRCh37 (hg19) VCF-style: chr15-28197006-T-G.
Other names: c.1803A>C, p.Lys601Asn (NM_001300984.2); c.1875A>C (NM_000275.2); short protein forms K625N, K601N.
Identifiers: ClinVar variation 596993 (VCV000596993.11), dbSNP rs1455447337, ClinGen allele CA391364501.
Genomic context (GRCh38, chr15:27,951,860, plus strand): 5'-GCCAGGGACAAACGAATTGAGGAAAAACATGAAGATAACAAATCCCAACACTGTCAGGCA[T>G]TTGGCGAGCAGAATCCCGTCAGATATCCTATGCTGTAAGAGAGAAACCACAGCTCATTTA-3'
Protein context (NP_000266.2, residues 615-635): HRISDGILLA[Lys625Asn]CLTVLGFVIF

ClinVar aggregate classification (germline): Conflicting classifications of pathogenicity. Review status: criteria provided, conflicting classifications (1 of 4 stars). 3 submissions from 3 submitters: Likely pathogenic (1); Uncertain significance (2). Last evaluated 2026-01-06.

Allele frequency attached by ClinVar (database versions not stated): gnomAD 0.00001; gnomAD exomes 0.00001; TOPMed 0.00002.
gnomAD v4.1: 26 of 1,613,834 alleles (0.0016%); highest among the groups gnomAD compares: Admixed American, 0.0033%; no homozygotes.

Submissions (3):

Labcorp Genetics (formerly Invitae), Labcorp
Classification: Likely pathogenic. Last evaluated: 2026-01-06. Review status: criteria provided, single submitter. Criteria: Invitae Variant Classification Sherloc (09022015). Collection method: clinical testing. Allele origin: germline.
Comment: This sequence change replaces lysine, which is basic and polar, with asparagine, which is neutral and polar, at codon 625 of the OCA2 protein (p.Lys625Asn). This variant is present in population databases (no rsID available, gnomAD 0.006%). This missense change has been observed in individual(s) with oculocutaneous albinism (internal data). In at least one individual the data is consistent with being in trans (on the opposite chromosome) from a pathogenic variant. ClinVar contains an entry for this variant (Variation ID: 596993). Invitae Evidence Modeling of protein sequence and biophysical properties (such as structural, functional, and spatial information, amino acid conservation, physicochemical variation, residue mobility, and thermodynamic stability) indicates that this missense variant is not expected to disrupt OCA2 protein function with a negative predictive value of 80%. In summary, the currently available evidence indicates that the variant is pathogenic, but additional data are needed to prove that conclusively. Therefore, this variant has been classified as Likely Pathogenic.

GeneDx
Classification: Uncertain significance. Last evaluated: 2023-06-26. Review status: criteria provided, single submitter. Criteria: GeneDx Variant Classification Process June 2021. Collection method: clinical testing. Allele origin: germline. Affected: yes.
Comment: In silico analysis supports that this missense variant has a deleterious effect on protein structure/function; Has not been previously published in an individual with OCA2-related disease as pathogenic or benign to our knowledge; This variant is associated with the following publications: (PMID: 34662886)

Eurofins Ntd Llc (ga)
Classification: Uncertain significance. Last evaluated: 2018-05-09. Review status: criteria provided, single submitter. Criteria: EGL ClinVar v180209 classification definitions. Collection method: clinical testing. Allele origin: germline. Observed: 1 variant allele, 1 heterozygote.